The following is an entry in ClinVar:

NM_004663.5(RAB11A):c.410A>T (p.Asp137Val)

Gene: RAB11A (RAB11A, member RAS oncogene family; plus strand). Cytogenetic location: 15q22.31.
Variant type: single nucleotide variant.
Coding change: c.410A>T on transcript NM_004663.5 (MANE Select); coding-DNA position 410, A replaced by T.
Protein change: p.Asp137Val; replaces aspartic acid 137 with valine.
Molecular consequence: missense variant.
Genome position (GRCh38, 1-based): chr15:65,877,935, A>T. VCF-style: chr15-65877935-A-T. GRCh37 (hg19) VCF-style: chr15-66170273-A-T.
Other names: c.410A>T, p.Asp137Val (NM_001206836.2); short protein forms D137V.
Identifiers: ClinVar variation 1810502 (VCV001810502.2), dbSNP rs2549035641, ClinGen allele CA392922109.

ClinVar aggregate classification (germline): Uncertain significance (1 of 4 stars; one submission).

Submission:

GeneDx
Classification: Uncertain significance. Last evaluated: 2025-05-13. Review status: criteria provided, single submitter. Criteria: GeneDx Variant Classification Process June 2021. Collection method: clinical testing. Allele origin: germline.
Comment: Not observed at significant frequency in large population cohorts (gnomAD); In silico analysis supports that this missense variant has a deleterious effect on protein structure/function; Has not been previously published as pathogenic or benign to our knowledge